The following is an entry in ClinVar:

ClinVar aggregate classification (germline): Uncertain significance (1 of 4 stars; one submission).

Submission:

Labcorp Genetics (formerly Invitae), Labcorp
Classification: Uncertain significance. Last evaluated: 2024-11-05. Review status: criteria provided, single submitter. Criteria: Invitae Variant Classification Sherloc (09022015). Collection method: clinical testing. Allele origin: germline.
Comment: This sequence change replaces glutamine, which is neutral and polar, with proline, which is neutral and non-polar, at codon 1645 of the CPLANE1 protein (p.Gln1645Pro). This variant is not present in population databases (gnomAD no frequency). This variant has not been reported in the literature in individuals affected with CPLANE1-related conditions. ClinVar contains an entry for this variant (Variation ID: 2111977). Invitae Evidence Modeling of protein sequence and biophysical properties (such as structural, functional, and spatial information, amino acid conservation, physicochemical variation, residue mobility, and thermodynamic stability) indicates that this missense variant is not expected to disrupt CPLANE1 protein function with a negative predictive value of 95%. In summary, the available evidence is currently insufficient to determine the role of this variant in disease. Therefore, it has been classified as a Variant of Uncertain Significance.

NM_001384732.1(CPLANE1):c.4934A>C (p.Gln1645Pro)

Gene: CPLANE1 (ciliogenesis and planar polarity effector complex subunit 1; minus strand). Cytogenetic location: 5p13.2.
Variant type: single nucleotide variant.
Coding change: c.4934A>C on transcript NM_001384732.1 (MANE Select); coding-DNA position 4934, A replaced by C.
Protein change: p.Gln1645Pro; replaces glutamine 1645 with proline.
Molecular consequence: missense variant.
Genome position (GRCh38, 1-based): chr5:37,183,247, T>G on the plus strand (A>C on the coding strand, the complement: CPLANE1 is on the minus strand). VCF-style: chr5-37183247-T-G. GRCh37 (hg19) VCF-style: chr5-37183349-T-G.
Other names: c.4934A>C, p.Gln1645Pro (NM_023073.4); short protein forms Q1645P.
Identifiers: ClinVar variation 2111977 (VCV002111977.4), dbSNP rs2547830137, ClinGen allele CA359495065.